The following is an entry in ClinVar:

NM_001077365.2(POMT1):c.310C>T (p.Leu104=)

Gene: POMT1 (protein O-mannosyltransferase 1; plus strand). Cytogenetic location: 9q34.13.
Variant type: single nucleotide variant.
Coding change: c.310C>T on transcript NM_001077365.2 (MANE Select); coding-DNA position 310, C replaced by T.
Protein change: p.Leu104=; no amino-acid change (leucine 104 retained).
Molecular consequence: synonymous variant. On other transcripts: 5 prime UTR variant (5), non-coding transcript variant (9), intron variant (2).
Genome position (GRCh38, 1-based): chr9:131,507,397, C>T. VCF-style: chr9-131507397-C-T. GRCh37 (hg19) VCF-style: chr9-134382784-C-T.
Other names: c.148C>T, p.Leu50= (NM_001077366.2, NM_001353194.2, NM_001353197.2 and 3 more transcripts); c.310C>T, p.Leu104= (NM_001136113.2, NM_001353193.2, NM_001374690.1 and 1 more transcripts); c.-42C>T (NM_001136114.2, NM_001353195.2, NM_001353199.2 and 2 more transcripts); c.220C>T, p.Leu74= (NM_001353196.2); c.-29-1514C>T (NM_001374695.1); c.-30+944C>T (NM_001353200.2).
Identifiers: ClinVar variation 95464 (VCV000095464.14), dbSNP rs146982282, ClinGen allele CA222999.

ClinVar aggregate classification (germline): Conflicting classifications of pathogenicity. Review status: criteria provided, conflicting classifications (1 of 4 stars). 3 submissions from 3 submitters: Uncertain significance (1); Benign (1). 1 of the submissions does not count toward it. Last evaluated 2025-11-03.

Conditions:
POMT1-related disorder. Also called: POMT1-related condition; POMT1-related disorders.
Walker-Warburg congenital muscular dystrophy. Also called: Muscular dystrophy-dystroglycanopathy, type A; Walker-Warburg syndrome. Identifiers: Orphanet 899, MedGen C0265221, MONDO:0000171.
Muscular dystrophy-dystroglycanopathy (congenital with impaired intellectual development), type B, 1. Also called: Muscular dystrophy-dystroglycanopathy (congenital with intellectual disability), type B1; MUSCULAR DYSTROPHY, CONGENITAL, POMT1-RELATED. Identifiers: MedGen C5436962, MONDO:0013159, OMIM 613155.
Autosomal recessive limb-girdle muscular dystrophy type 2K. Also called: MUSCULAR DYSTROPHY, LIMB-GIRDLE, TYPE 2K; MUSCULAR DYSTROPHY-DYSTROGLYCANOPATHY (LIMB-GIRDLE), TYPE C, 1. Identifiers: Orphanet 86812, MedGen C1836373, MONDO:0012248, OMIM 609308.

Allele frequency attached by ClinVar (database versions not stated): gnomAD 0.00004 and 0.00005; gnomAD exomes 0.00006 and 0.00014; TOPMed 0.00006; ExAC 0.00009; ESP Exome Variant Server 0.00015.

Submissions (3):

Labcorp Genetics (formerly Invitae), Labcorp
Classification: Benign for Muscular dystrophy-dystroglycanopathy (congenital with impaired intellectual development), type B, 1; Walker-Warburg congenital muscular dystrophy; Autosomal recessive limb-girdle muscular dystrophy type 2K. Last evaluated: 2025-11-03. Review status: criteria provided, single submitter. Criteria: Invitae Variant Classification Sherloc (09022015). Collection method: clinical testing. Allele origin: germline.

Eurofins Ntd Llc (ga)
Classification: Uncertain significance. Last evaluated: 2017-06-15. Review status: criteria provided, single submitter. Criteria: EGL Classification Definitions 2015. Collection method: clinical testing. Allele origin: germline. Observed: 2 variant alleles, 2 heterozygotes.

PreventionGenetics, part of Exact Sciences
Classification: Likely benign for POMT1-related condition. Last evaluated: 2024-08-19. Review status: no assertion criteria provided. Collection method: clinical testing. Allele origin: germline. Not counted in ClinVar's aggregate classification.
Comment: This variant is classified as likely benign based on ACMG/AMP sequence variant interpretation guidelines (Richards et al. 2015 PMID: 25741868, with internal and published modifications).